The following is an entry in ClinVar:

NM_003906.5(MCM3AP):c.1755C>T (p.Leu585=)

Gene: MCM3AP (minichromosome maintenance complex component 3 associated protein; minus strand). Cytogenetic location: 21q22.3.
Variant type: single nucleotide variant.
Coding change: c.1755C>T on transcript NM_003906.5 (MANE Select); coding-DNA position 1755, C replaced by T.
Protein change: p.Leu585=; no amino-acid change (leucine 585 retained).
Molecular consequence: synonymous variant.
Genome position (GRCh38, 1-based): chr21:46,277,630, G>A on the plus strand (C>T on the coding strand, the complement: MCM3AP is on the minus strand). VCF-style: chr21-46277630-G-A. GRCh37 (hg19) VCF-style: chr21-47697544-G-A.
Identifiers: ClinVar variation 1530159 (VCV001530159.31), dbSNP rs771124524, ClinGen allele CA10076987.
Genomic context (GRCh38, chr21:46,277,630, plus strand): 5'-CTCCTTGGATGTCTCAGCCACAGTGCCTATCAGGGTACTGAGGGAGAGCACACATGGCCC[G>A]AGGCCCTCGGAGCCCTCGGAGGCTGAGTCAAAAGAGTCTCCCTCGAATTGGTGGGCCTTT-3'
Protein context (NP_003897.2, residues 575-595): FDSASEGSEG[Leu585=]GPCVLSLSTL

ClinVar aggregate classification (germline): Likely benign. Review status: criteria provided, multiple submitters, no conflicts (2 of 4 stars). 2 submissions from 2 submitters: Likely benign (2). Last evaluated 2022-12-02.

Allele frequency attached by ClinVar (database versions not stated): gnomAD exomes 0.00001 and 0.00002; TOPMed 0.00001; ExAC 0.00002.
gnomAD v4.1: 17 of 1,611,962 alleles (0.0011%); highest among the groups gnomAD compares: South Asian, 0.0088%; no homozygotes.

Submissions (2):

Labcorp Genetics (formerly Invitae), Labcorp
Classification: Likely benign. Last evaluated: 2022-12-02. Review status: criteria provided, single submitter. Criteria: Invitae Variant Classification Sherloc (09022015). Collection method: clinical testing. Allele origin: germline.

CeGaT Center for Human Genetics Tuebingen
Classification: Likely benign. Last evaluated: 2022-12-01. Review status: criteria provided, single submitter. Criteria: CeGaT Center For Human Genetics Tuebingen Variant Classification Criteria Version 2. Collection method: clinical testing. Allele origin: germline. Affected: yes. Observed: 1 variant allele.
Comment: MCM3AP: BP4, BP7